The following is an entry in ClinVar:

NM_182961.4(SYNE1):c.3669+117A>C

Gene: SYNE1 (spectrin repeat containing nuclear envelope protein 1; minus strand). Cytogenetic location: 6q25.2.
Variant type: single nucleotide variant.
Coding change: c.3669+117A>C on transcript NM_182961.4 (MANE Select); 117 bases into the intron after coding-DNA position 3669, A replaced by C.
Molecular consequence: intron variant.
Genome position (GRCh38, 1-based): chr6:152,447,341, T>G on the plus strand (A>C on the coding strand, the complement: SYNE1 is on the minus strand). VCF-style: chr6-152447341-T-G. GRCh37 (hg19) VCF-style: chr6-152768476-T-G.
Other names: c.3690+117A>C (NM_033071.5).
Identifiers: ClinVar variation 673111 (VCV000673111.1), dbSNP rs6904602, ClinGen allele CA150234398.
Genomic context (GRCh38, chr6:152,447,341, plus strand): 5'-CATCAAACATCCTCTTCATCTTTCCCAACAAGCTTCATACAAAAAAAGCATAACAACAAT[T>G]CTGTTTCAACTATGGTTTCTTTATAAAATTACTTGCTAAACTACAACCAGAAGAAAAAGA-3'

ClinVar aggregate classification (germline): Benign (1 of 4 stars; one submission).

Allele frequency attached by ClinVar (database versions not stated): gnomAD exomes 0.00548; gnomAD 0.05862 and 0.06280; 1000 Genomes Project 0.06649; TOPMed 0.06742; 1000 Genomes Project 30x 0.07027.
gnomAD v4.1: 14,788 of 1,172,626 alleles (1.3%); highest among the groups gnomAD compares: African/African-American, 20%; 1,398 homozygotes.

Submission:

GeneDx
Classification: Benign. Last evaluated: 2018-06-14. Review status: criteria provided, single submitter. Criteria: GeneDx Variant Classification (06012015). Collection method: clinical testing. Allele origin: germline. Affected: yes.
Comment: This variant is considered likely benign or benign based on one or more of the following criteria: it is a conservative change, it occurs at a poorly conserved position in the protein, it is predicted to be benign by multiple in silico algorithms, and/or has population frequency not consistent with disease.